The following is an entry in ClinVar:

ClinVar aggregate classification (germline): Uncertain significance (1 of 4 stars; one submission).

Submission:

Women's Health and Genetics/Laboratory Corporation of America, LabCorp
Classification: Uncertain significance. Last evaluated: 2025-12-22. Review status: criteria provided, single submitter. Criteria: LabCorp Variant Classification Summary - May 2015. Collection method: clinical testing. Allele origin: germline.
Comment: Variant summary: The variant involves the duplication of exons 11-21 in the AARS1 gene. A presumed nomenclature of c.(1347+1_1348-1)_(*424_?)dup has been designated for the purposes of this classification. The exact breakpoint at the 3' end of this variant is unknown, therefore this duplication may extend downstream of the annotated region of the gene. As it duplicates the termination codon, its effect on the encoded protein is unknown. The variant was absent in 21694 control chromosomes. The available data on variant occurrences in the general population are insufficient to allow any conclusion about variant significance. To our knowledge, no occurrence of c.(1347+1_1348-1)_(*424_?)dup in individuals affected with AARS1-related conditions and no experimental evidence demonstrating its impact on protein function have been reported. No submitters have cited clinical-significance assessments for this variant to ClinVar. Based on the evidence outlined above, the variant was classified as uncertain significance.

NC_000016.9:g.(?_70286200)_(70299006_70299440)dup

Gene: AARS1 (alanyl-tRNA synthetase 1; minus strand). Cytogenetic location: 16q22.1.
Variant type: Duplication.
Identifiers: ClinVar variation 4688915 (VCV004688915.1).